The following is an entry in ClinVar:

NM_000565.4(IL6R):c.1305C>T (p.Ser435=)

Gene: IL6R (interleukin 6 receptor; plus strand). Cytogenetic location: 1q21.3.
Variant type: single nucleotide variant.
Coding change: c.1305C>T on transcript NM_000565.4 (MANE Select); coding-DNA position 1305, C replaced by T.
Protein change: p.Ser435=; no amino-acid change (serine 435 retained).
Molecular consequence: synonymous variant. On other transcripts: 3 prime UTR variant (2).
Genome position (GRCh38, 1-based): chr1:154,465,278, C>T. VCF-style: chr1-154465278-C-T. GRCh37 (hg19) VCF-style: chr1-154437754-C-T.
Other names: c.1404C>T, p.Ser468= (NM_001382769.1); c.1398C>T, p.Ser466= (NM_001382770.1); c.1353C>T, p.Ser451= (NM_001382771.1); c.1299C>T, p.Ser433= (NM_001382772.1); c.*113C>T (NM_001382773.1, NM_181359.3); c.945C>T, p.Ser315= (NM_001382774.1); c.1305C>T (NM_000565.3).
Identifiers: ClinVar variation 2163861 (VCV002163861.6), dbSNP rs764951367, ClinGen allele CA1129344.

ClinVar aggregate classification (germline): Likely benign. Review status: criteria provided, single submitter (1 of 4 stars). 2 submissions from 2 submitters: Likely benign (1). 1 of the submissions does not count toward it. Last evaluated 2025-05-05.

Conditions:
IL6R-related disorder. Also called: IL6R-related condition.

Allele frequency attached by ClinVar (database versions not stated): ExAC 0.00003; gnomAD 0.00003; TOPMed 0.00003; gnomAD exomes 0.00004.
gnomAD v4.1: 62 of 1,614,074 alleles (0.0038%); highest among the groups gnomAD compares: Non-Finnish European, 0.0045%; no homozygotes.

Submissions (2):

Labcorp Genetics (formerly Invitae), Labcorp
Classification: Likely benign. Last evaluated: 2025-05-05. Review status: criteria provided, single submitter. Criteria: Invitae Variant Classification Sherloc (09022015). Collection method: clinical testing. Allele origin: germline.

PreventionGenetics, part of Exact Sciences
Classification: Likely benign for IL6R-related condition. Last evaluated: 2019-07-12. Review status: no assertion criteria provided. Collection method: clinical testing. Allele origin: germline. Not counted in ClinVar's aggregate classification.
Comment: This variant is classified as likely benign based on ACMG/AMP sequence variant interpretation guidelines (Richards et al. 2015 PMID: 25741868, with internal and published modifications).